The following is an entry in ClinVar:

NM_000152.5(GAA):c.1597T>C (p.Cys533Arg)

Gene: GAA (alpha glucosidase; plus strand). Cytogenetic location: 17q25.3.
Variant type: single nucleotide variant.
Coding change: c.1597T>C on transcript NM_000152.5 (MANE Select); coding-DNA position 1597, T replaced by C.
Protein change: p.Cys533Arg; replaces cysteine 533 with arginine.
Molecular consequence: missense variant.
Genome position (GRCh38, 1-based): chr17:80,110,986, T>C. VCF-style: chr17-80110986-T-C. GRCh37 (hg19) VCF-style: chr17-78084785-T-C.
Other names: c.1597T>C, p.Cys533Arg (NM_001079803.3, NM_001079804.3, NM_001406741.1 and 1 more transcripts); short protein forms C533R.
Identifiers: ClinVar variation 4876460 (VCV004876460.1).
Genomic context (GRCh38, chr17:80,110,986, plus strand): 5'-GCGCTTCTCTTGCAGGACATGAACGAGCCTTCCAACTTCATCAGGGGCTCTGAGGACGGC[T>C]GCCCCAACAATGAGCTGGAGAACCCACCCTACGTGCCTGGTCAGCTCGCCCCCCACCTAC-3'
Protein context (NP_000143.2, residues 523-543): SNFIRGSEDG[Cys533Arg]PNNELENPPY

ClinVar aggregate classification (germline): Uncertain significance (1 of 4 stars; one submission).

Conditions:
Glycogen storage disease, type II (IOPD). Also called: Pompe Disease; CARDIOMEGALIA GLYCOGENICA DIFFUSA; GLYCOGENOSIS, GENERALIZED, CARDIAC FORM; GSD II; POMPE DISEASE, INFANTILE-ONSET; GLYCOGEN STORAGE DISEASE II, INFANTILE-ONSET. Identifiers: Orphanet 365, MedGen C0017921, MONDO:0009290, OMIM 232300.

Submission:

Genomenon, Inc
Classification: Uncertain significance for Glycogen storage disease, type II. Last evaluated: 2026-07-01. Review status: criteria provided, single submitter. Criteria: Genomenon Sequence Variant Interpretation Standards - Updated. Collection method: curation. Allele origin: germline. Affected: no.
Comment: GAA p.Cys533Arg (c.1597T>C) is a missense variant that changes the amino acid at codon 533 from Cysteine to Arginine. To our knowledge, this variant has not been reported in patients affected with a GAA-related disorder in the published literature. At least one functional study has demonstrated a substantial alteration in protein function relative to the wild-type (PMID:33560568). It is absent or not present at a significant frequency in gnomAD. In silico models predict that this variant is possibly or probably damaging. In conclusion, we classify GAA p.Cys533Arg (c.1597T>C) as a variant of uncertain significance.

Literature cited by the submitters: PubMed 33560568.